The following is an entry in ClinVar:

ClinVar aggregate classification (germline): Likely benign. Review status: criteria provided, multiple submitters, no conflicts (2 of 4 stars). 2 submissions from 2 submitters: Likely benign (2). Last evaluated 2025-12-24.

Conditions:
Multiple acyl-CoA dehydrogenase deficiency (MADD). Also called: Glutaric aciduria, type 2; Glutaric Acidemia type 2; Glutaric acidemia type II; GA 2; ETHYLMALONIC-ADIPICACIDURIA; GA II. Identifiers: Orphanet 26791, MedGen C0268596, MONDO:0009282, OMIM 231680.

Allele frequency attached by ClinVar (database versions not stated): gnomAD exomes below 0.00001 and 0.00002; ExAC 0.00002; TOPMed 0.00002; gnomAD 0.00006; ESP Exome Variant Server 0.00008; 1000 Genomes Project 0.00020; 1000 Genomes Project 30x 0.00031.
gnomAD v4.1: 14 of 1,613,080 alleles (0.00087%); highest among the groups gnomAD compares: African/African-American, 0.016%; no homozygotes.

Submissions (2):

Labcorp Genetics (formerly Invitae), Labcorp
Classification: Likely benign for Multiple acyl-CoA dehydrogenase deficiency. Last evaluated: 2025-12-24. Review status: criteria provided, single submitter. Criteria: Invitae Variant Classification Sherloc (09022015). Collection method: clinical testing. Allele origin: germline.

GeneDx
Classification: Likely benign. Last evaluated: 2017-07-20. Review status: criteria provided, single submitter. Criteria: GeneDx Variant Classification (06012015). Collection method: clinical testing. Allele origin: germline. Affected: yes.
Comment: This variant is considered likely benign or benign based on one or more of the following criteria: it is a conservative change, it occurs at a poorly conserved position in the protein, it is predicted to be benign by multiple in silico algorithms, and/or has population frequency not consistent with disease.

NM_004453.4(ETFDH):c.846T>C (p.Asp282=)

Gene: ETFDH (electron transfer flavoprotein dehydrogenase; plus strand). Cytogenetic location: 4q32.1.
Variant type: single nucleotide variant.
Coding change: c.846T>C on transcript NM_004453.4 (MANE Select); coding-DNA position 846, T replaced by C.
Protein change: p.Asp282=; no amino-acid change (aspartic acid 282 retained).
Molecular consequence: synonymous variant.
Genome position (GRCh38, 1-based): chr4:158,697,573, T>C. VCF-style: chr4-158697573-T-C. GRCh37 (hg19) VCF-style: chr4-159618725-T-C.
Other names: c.705T>C, p.Asp235= (NM_001281737.2); c.663T>C, p.Asp221= (NM_001281738.1).
Identifiers: ClinVar variation 511012 (VCV000511012.9), dbSNP rs371927583, ClinGen allele CA3122482.